The following is an entry in ClinVar:

ClinVar aggregate classification (germline): Uncertain significance. Review status: criteria provided, multiple submitters, no conflicts (2 of 4 stars). 2 submissions from 2 submitters: Uncertain significance (2). Last evaluated 2024-08-15.

Conditions:
Long QT syndrome (LQTS). Identifiers: MedGen C0023976, MeSH D008133, MONDO:0002442. Disease mechanism: loss of function. Inheritance: Various modes of inheritance.
Cardiovascular phenotype. Identifiers: MedGen CN230736.

Submissions (2):

Ambry Genetics
Classification: Uncertain significance for Cardiovascular phenotype. Last evaluated: 2024-08-15. Review status: criteria provided, single submitter. Criteria: Ambry Variant Classification Scheme 2023. Collection method: clinical testing. Allele origin: germline.
Comment: The p.A512D variant (also known as c.1535C>A), located in coding exon 12 of the KCNQ1 gene, results from a C to A substitution at nucleotide position 1535. The alanine at codon 512 is replaced by aspartic acid, an amino acid with dissimilar properties. This amino acid position is well conserved in available vertebrate species. In addition, this alteration is predicted to be deleterious by in silico analysis. Based on the available evidence, the clinical significance of this variant remains unclear.

All of Us Research Program, National Institutes of Health
Classification: Uncertain significance for Long QT syndrome. Last evaluated: 2023-08-15. Review status: criteria provided, single submitter. Criteria: ACMG Guidelines, 2015. Collection method: clinical testing. Allele origin: germline. Inheritance: Autosomal dominant inheritance. Observed: 1 variant allele, 1 heterozygote.
Comment: This missense variant replaces alanine with aspartic acid at codon 512 of the KCNQ1 protein. Computational prediction suggests that this variant may have deleterious impact on protein structure and function (internally defined REVEL score threshold >= 0.7, PMID: 27666373). To our knowledge, functional studies have not been reported for this variant. This variant has not been reported in individuals affected with KCNQ1-related disorders in the literature. This variant has not been identified in the general population by the Genome Aggregation Database (gnomAD). The available evidence is insufficient to determine the role of this variant in disease conclusively. Therefore, this variant is classified as a Variant of Uncertain Significance.

This study involves interpretation of variants in research participants for the purpose of population health screening. Participant phenotype was not available at the time of variant classification. Additional details can be found in publication PMID: 35346344, PMCID: PMC8962531

NM_000218.3(KCNQ1):c.1535C>A (p.Ala512Asp)

Gene: KCNQ1 (potassium voltage-gated channel subfamily Q member 1; plus strand). Cytogenetic location: 11p15.5.
Variant type: single nucleotide variant.
Coding change: c.1535C>A on transcript NM_000218.3 (MANE Select); coding-DNA position 1535, C replaced by A.
Protein change: p.Ala512Asp; replaces alanine 512 with aspartic acid.
Molecular consequence: missense variant.
Genome position (GRCh38, 1-based): chr11:2,768,864, C>A. VCF-style: chr11-2768864-C-A. GRCh37 (hg19) VCF-style: chr11-2790094-C-A.
Other names: c.1439C>A, p.Ala480Asp (NM_001406836.1); c.1265C>A, p.Ala422Asp (NM_001406837.1); c.995C>A, p.Ala332Asp (NM_001406838.1); c.1154C>A, p.Ala385Asp (NM_181798.2); short protein forms A332D, A385D, A422D, A480D, A512D.
Identifiers: ClinVar variation 3072759 (VCV003072759.2), dbSNP rs2494120214, ClinGen allele CA379138933.